The following is an entry in ClinVar:

ClinVar aggregate classification (germline): Likely benign. Review status: criteria provided, multiple submitters, no conflicts (2 of 4 stars). 3 submissions from 3 submitters: Likely benign (2). 1 of the submissions does not count toward it. Last evaluated 2026-01-25.

Conditions:
PEX14-related disorder. Also called: PEX14-related condition.
Peroxisome biogenesis disorder, complementation group K (CGK). Identifiers: MedGen C1866257, MONDO:0800365.

Allele frequency attached by ClinVar (database versions not stated): ExAC 0.00003; gnomAD exomes 0.00003; gnomAD 0.00017 and 0.00018; TOPMed 0.00018; ESP Exome Variant Server 0.00023.
gnomAD v4.1: 55 of 1,545,334 alleles (0.0036%); highest among the groups gnomAD compares: African/African-American, 0.069%; no homozygotes.

Submissions (3):

Labcorp Genetics (formerly Invitae), Labcorp
Classification: Likely benign for Peroxisome biogenesis disorder, complementation group K. Last evaluated: 2026-01-25. Review status: criteria provided, single submitter. Criteria: Invitae Variant Classification Sherloc (09022015). Collection method: clinical testing. Allele origin: germline.

Blueprint Genetics
Classification: Likely benign. Last evaluated: 2022-08-13. Review status: criteria provided, single submitter. Criteria: ACMG Guidelines, 2015. Collection method: clinical testing. Allele origin: germline.

PreventionGenetics, part of Exact Sciences
Classification: Likely benign for PEX14-related condition. Last evaluated: 2022-08-05. Review status: no assertion criteria provided. Collection method: clinical testing. Allele origin: germline. Not counted in ClinVar's aggregate classification.
Comment: This variant is classified as likely benign based on ACMG/AMP sequence variant interpretation guidelines (Richards et al. 2015 PMID: 25741868, with internal and published modifications).

NM_004565.3(PEX14):c.169+7G>C

Gene: PEX14 (peroxisomal biogenesis factor 14; plus strand). Cytogenetic location: 1p36.22.
Variant type: single nucleotide variant.
Coding change: c.169+7G>C on transcript NM_004565.3 (MANE Select); 7 bases into the intron after coding-DNA position 169, G replaced by C.
Molecular consequence: intron variant.
Genome position (GRCh38, 1-based): chr1:10,536,304, G>C. VCF-style: chr1-10536304-G-C. GRCh37 (hg19) VCF-style: chr1-10596361-G-C.
Other names: c.169+7G>C (NM_004565.2).
Identifiers: ClinVar variation 1088455 (VCV001088455.12), dbSNP rs376989411, ClinGen allele CA583728.